The following is an entry in ClinVar:

ClinVar aggregate classification (germline): Pathogenic (1 of 4 stars; one submission).

Submission:

Labcorp Genetics (formerly Invitae), Labcorp
Classification: Pathogenic. Last evaluated: 2025-11-10. Review status: criteria provided, single submitter. Criteria: Invitae Variant Classification Sherloc (09022015). Collection method: clinical testing. Allele origin: germline.
Comment: This sequence change creates a premature translational stop signal (p.Ser560Leufs*58) in the STIL gene. It is expected to result in an absent or disrupted protein product. Loss-of-function variants in STIL are known to be pathogenic (PMID: 24986681, 33132204). This variant is not present in population databases (gnomAD no frequency). This variant has not been reported in the literature in individuals affected with STIL-related conditions. ClinVar contains an entry for this variant (Variation ID: 2701697). For these reasons, this variant has been classified as Pathogenic.

Literature cited by the submitters: PubMed 24986681; PubMed 33132204.

NM_001048166.1(STIL):c.1678del (p.Ser560fs)

Gene: STIL (STIL centriolar assembly protein; minus strand). Cytogenetic location: 1p33.
Variant type: Deletion.
Coding change: c.1678del on transcript NM_001048166.1 (MANE Select); coding-DNA position 1678, one base deleted (T; older notation c.1678delT).
Protein change: p.Ser560fs; shifts the reading frame from serine 560.
Molecular consequence: frameshift variant.
Genome position (GRCh38, 1-based): chr1:47,280,780, A deleted on the plus strand (T on the coding strand, the reverse complement: STIL is on the minus strand); the first of 2 consecutive A bases (chr1:47,280,780-47,280,781); deleting either gives the same sequence. VCF-style (leftmost placement, unchanged base first): chr1-47280779-GA-G. GRCh37 (hg19) VCF-style: chr1-47746451-GA-G.
Other names: c.1678del, p.Ser560fs (NM_001282936.1, NM_001282937.1, NM_003035.2); c.1537del, p.Ser513fs (NM_001282938.1, NM_001282939.1, NM_001377417.1); short protein forms S513fs, S560fs.
Identifiers: ClinVar variation 2701697 (VCV002701697.3), dbSNP rs2524013631, ClinGen allele CA2697552414.